The following is an entry in ClinVar:

ClinVar aggregate classification (germline): Uncertain significance (1 of 4 stars; one submission).

Conditions:
Hereditary breast ovarian cancer syndrome. Also called: Hereditary breast and/or ovarian cancer syndrome; Hereditary breast and ovarian cancer; Hereditary breast and ovarian cancer syndrome; Breast and ovarian cancer; Hereditary breast and ovarian cancer syndrome (HBOC); BRCA1- and BRCA2-Associated Hereditary Breast and Ovarian Cancer. Identifiers: Orphanet 145, MedGen C0677776, MeSH D061325, MONDO:0003582. Disease mechanism: loss of function.

Submission:

Labcorp Genetics (formerly Invitae), Labcorp
Classification: Uncertain significance for Hereditary breast ovarian cancer syndrome. Last evaluated: 2025-07-05. Review status: criteria provided, single submitter. Criteria: Invitae Variant Classification Sherloc (09022015). Collection method: clinical testing. Allele origin: germline.
Comment: This variant occurs in a non-coding region of the BRCA2 gene. It does not change the encoded amino acid sequence of the BRCA2 protein. This variant is not present in population databases (gnomAD no frequency). This variant has not been reported in the literature in individuals affected with BRCA2-related conditions. ClinVar contains an entry for this variant (Variation ID: 2822681). In summary, the available evidence is currently insufficient to determine the role of this variant in disease. Therefore, it has been classified as a Variant of Uncertain Significance.

NM_000059.4(BRCA2):c.-60A>T

Genes: BRCA2 (BRCA2 DNA repair associated; plus strand), LOC106721785 (BRCA2 promoter/silencer region; plus strand). Cytogenetic location: 13q13.1.
Variant type: single nucleotide variant.
Coding change: c.-60A>T on transcript NM_000059.4 (MANE Select); 60 bases upstream of the start codon, A replaced by T.
Molecular consequence: 5 prime UTR variant. On other transcripts: non-coding transcript variant (1).
Genome position (GRCh38, 1-based): chr13:32,315,647, A>T. VCF-style: chr13-32315647-A-T. GRCh37 (hg19) VCF-style: chr13-32889784-A-T.
Other names: c.-60A>T (NM_001406719.1, NM_001406720.1, NM_001406721.1); c.-323A>T (NM_001406722.1).
Identifiers: ClinVar variation 2822681 (VCV002822681.3), dbSNP rs1057522793, ClinGen allele CA2739277490.
Genomic context (GRCh38, chr13:32,315,647, plus strand): 5'-AAGCGTGAGGGGACAGATTTGTGACCGGCGCGGTTTTTGTCAGCTTACTCCGGCCAAAAA[A>T]GAACTGCACCTCTGGAGCGGGTTAGTGGTGGTGGTAGTGGGTTGGGACGAGCGCGTCTTC-3'